The following is an entry in ClinVar:

ClinVar aggregate classification (germline): Conflicting classifications of pathogenicity. Review status: criteria provided, conflicting classifications (1 of 4 stars). 3 submissions from 3 submitters: Uncertain significance (2); Likely benign (1). Last evaluated 2024-11-25.

Conditions:
Cardiovascular phenotype. Identifiers: MedGen CN230736.
Dilated cardiomyopathy 1AA (CMD1AA). Also called: Cardiomyopathy, dilated, 1AA, with or without LVNC; CARDIOMYOPATHY, DILATED, 1AA, WITH OR WITHOUT LEFT VENTRICULAR NONCOMPACTION; CARDIOMYOPATHY, FAMILIAL HYPERTROPHIC, 23, WITH OR WITHOUT LEFT VENTRICULAR NONCOMPACTION. Identifiers: Orphanet 154, MedGen C2677338, MONDO:0012808, OMIM 612158.
Primary familial hypertrophic cardiomyopathy (HCM). Identifiers: Orphanet 99739, MedGen C0949658, MeSH D024741, MONDO:0024573. Inheritance: Various modes of inheritance.

Allele frequency attached by ClinVar (database versions not stated): ExAC 0.00001.
gnomAD v4.1: 4 of 1,568,268 alleles (0.00026%); highest among the groups gnomAD compares: Non-Finnish European, 0.00035%; no homozygotes.

Submissions (3):

Blueprint Genetics
Classification: Uncertain significance. Last evaluated: 2024-11-25. Review status: criteria provided, single submitter. Criteria: ACMG Guidelines, 2015. Collection method: clinical testing. Allele origin: germline.

Ambry Genetics
Classification: Uncertain significance for Cardiovascular phenotype. Last evaluated: 2024-10-08. Review status: criteria provided, single submitter. Criteria: Ambry Variant Classification Scheme 2023. Collection method: clinical testing. Allele origin: germline.
Comment: The p.E16K variant (also known as c.46G>A), located in coding exon 1 of the ACTN2 gene, results from a G to A substitution at nucleotide position 46. The glutamic acid at codon 16 is replaced by lysine, an amino acid with similar properties. This amino acid position is conserved. In addition, this alteration is predicted to be tolerated by in silico analysis. Based on the available evidence, the clinical significance of this variant remains unclear.

Labcorp Genetics (formerly Invitae), Labcorp
Classification: Likely benign for Primary familial hypertrophic cardiomyopathy; Dilated cardiomyopathy 1AA. Last evaluated: 2022-12-21. Review status: criteria provided, single submitter. Criteria: Invitae Variant Classification Sherloc (09022015). Collection method: clinical testing. Allele origin: germline.

NM_001103.4(ACTN2):c.46G>A (p.Glu16Lys)

Gene: ACTN2 (actinin alpha 2; plus strand). Cytogenetic location: 1q43.
Variant type: single nucleotide variant.
Coding change: c.46G>A on transcript NM_001103.4 (MANE Select); coding-DNA position 46, G replaced by A.
Protein change: p.Glu16Lys; replaces glutamic acid 16 with lysine.
Molecular consequence: missense variant. On other transcripts: 5 prime UTR variant (1).
Genome position (GRCh38, 1-based): chr1:236,686,719, G>A. VCF-style: chr1-236686719-G-A. GRCh37 (hg19) VCF-style: chr1-236850019-G-A.
Other names: c.46G>A (NM_001103.2); c.46G>A, p.Glu16Lys (NM_001278343.2); c.-776G>A (NM_001278344.2); c.-901G>A (NM_001412150.1); short protein forms E16K.
Identifiers: ClinVar variation 2154099 (VCV002154099.6), dbSNP rs775052416, ClinGen allele CA1472697.